The following is an entry in ClinVar:

NM_002582.4(PARN):c.1892C>T (p.Thr631Ile)

Gene: PARN (poly(A)-specific ribonuclease; minus strand). Cytogenetic location: 16p13.12.
Variant type: single nucleotide variant.
Coding change: c.1892C>T on transcript NM_002582.4 (MANE Select); coding-DNA position 1892, C replaced by T.
Protein change: p.Thr631Ile; replaces threonine 631 with isoleucine.
Molecular consequence: missense variant.
Genome position (GRCh38, 1-based): chr16:14,436,745, G>A on the plus strand (C>T on the coding strand, the complement: PARN is on the minus strand). VCF-style: chr16-14436745-G-A. GRCh37 (hg19) VCF-style: chr16-14530602-G-A.
Other names: c.1709C>T, p.Thr570Ile (NM_001134477.3); c.1754C>T, p.Thr585Ile (NM_001242992.2); short protein forms T585I, T570I, T631I.
Identifiers: ClinVar variation 4788219 (VCV004788219.1).

ClinVar aggregate classification (germline): Uncertain significance (1 of 4 stars; one submission).

Conditions:
Dyskeratosis congenita, autosomal recessive 6 (DKCB6). Identifiers: MedGen C4225356, MONDO:0014600, OMIM 616353.
Pulmonary fibrosis and/or bone marrow failure, Telomere-related, 4. Also called: PULMONARY FIBROSIS AND/OR BONE MARROW FAILURE SYNDROME, TELOMERE-RELATED, 4. Identifiers: Orphanet 2032, MedGen C4225347, MONDO:0014612, OMIM 616371.

gnomAD v4.1: 2 of 1,599,266 alleles (0.00013%); highest among the groups gnomAD compares: Non-Finnish European, 0.00017%; no homozygotes.

Submission:

Labcorp Genetics (formerly Invitae), Labcorp
Classification: Uncertain significance for Dyskeratosis congenita, autosomal recessive 6; Pulmonary fibrosis and/or bone marrow failure, Telomere-related, 4. Last evaluated: 2025-06-03. Review status: criteria provided, single submitter. Criteria: Invitae Variant Classification Sherloc (09022015). Collection method: clinical testing. Allele origin: germline.
Comment: This sequence change replaces threonine, which is neutral and polar, with isoleucine, which is neutral and non-polar, at codon 631 of the PARN protein (p.Thr631Ile). The frequency data for this variant in the population databases is considered unreliable, as metrics indicate poor data quality at this position in the gnomAD database. This variant has not been reported in the literature in individuals affected with PARN-related conditions. An algorithm developed to predict the effect of missense changes on protein structure and function (PolyPhen-2) suggests that this variant is likely to be tolerated. In summary, the available evidence is currently insufficient to determine the role of this variant in disease. Therefore, it has been classified as a Variant of Uncertain Significance.